The following is an entry in ClinVar:

NM_080425.4(GNAS):c.1395A>C (p.Pro465=)

Gene: GNAS (GNAS complex locus; plus strand). Cytogenetic location: 20q13.32.
Variant type: single nucleotide variant.
Coding change: c.1395A>C on transcript NM_080425.4 (MANE Plus Clinical); coding-DNA position 1395, A replaced by C.
Protein change: p.Pro465=; no amino-acid change (proline 465 retained).
Molecular consequence: synonymous variant. On other transcripts: missense variant (2), intron variant (3).
Genome position (GRCh38, 1-based): chr20:58,854,660, A>C. VCF-style: chr20-58854660-A-C. GRCh37 (hg19) VCF-style: chr20-57429715-A-C.
Other names: c.1208A>C, p.Gln403Pro (NM_001077490.3, NM_001309883.1); c.1395A>C, p.Pro465= (NM_001410913.1); c.*42+13774A>C (NM_016592.5); c.43+13774A>C (NM_001410912.1); c.-39+12785A>C (NM_001309861.2); short protein forms Q403P.
Identifiers: ClinVar variation 1203026 (VCV001203026.10), dbSNP rs56213454, ClinGen allele CA316342615.
Genomic context (GRCh38, chr20:58,854,660, plus strand): 5'-GGCCCCTGACGCCCCAGCCGATCCCGACTCCGGGGCGGCCCCTGACGCCCCAGCCGATCC[A>C]GATGCCGGGGCGGCCCCTGAGGCTCCCGCCGCCCCTGCGGCTGCTGAGACCCGGGCAGCC-3'
Protein context (NP_536350.2, residues 455-475): SGAAPDAPAD[Pro465=]DAGAAPEAPA

ClinVar aggregate classification (germline): Likely benign. Review status: criteria provided, multiple submitters, no conflicts (2 of 4 stars). 5 submissions from 5 submitters: Likely benign (4). 1 of the submissions does not count toward it. Last evaluated 2024-06-24.

Conditions:
Pseudohypoparathyroidism type 1C (PHP1C). Also called: PSEUDOHYPOPARATHYROIDISM, TYPE IC; PHP IC; Pseudohypoparathyroidism Ic (PHP-Ic). Identifiers: Orphanet 79444, MedGen C2932716, MONDO:0012911, OMIM 612462.
Progressive osseous heteroplasia (POH). Also called: Osseus Heteroplasia, Progressive; ECTOPIC OSSIFICATION, FAMILIAL; Osteoma cutis; Progressive Osseus Heteroplasia (POH). Identifiers: Orphanet 2762, MedGen C0334041, MONDO:0008153, OMIM 166350, HP:0025027.
Pseudohypoparathyroidism type 1B (PHP1B). Also called: PHP IB; Pseudohypoparathyroidism Type IB; Pseudohypoparathyroidism Ib (PHP-Ib). Identifiers: Orphanet 94089, MedGen C1864100, MONDO:0011301, OMIM 603233.
Pituitary adenoma 3, multiple types. Also called: PITUITARY ADENOMA 3, ACTH-SECRETING, SOMATIC; PITUITARY ADENOMA 3, GROWTH HORMONE-SECRETING, SOMATIC. Identifiers: MedGen C4540135, MONDO:0054665, OMIM 617686.
McCune-Albright syndrome (MAS). Also called: ALBRIGHT SYNDROME; Albright's Syndrome; Albright's disease; Fibrous Dysplasia / McCune-Albright Syndrome; McCune-Albright syndrome, somatic, mosaic. Identifiers: Orphanet 562, MedGen C0242292, MONDO:0018919, OMIM 174800.
Pseudopseudohypoparathyroidism (PPHP). Also called: ALBRIGHT HEREDITARY OSTEODYSTROPHY WITHOUT MULTIPLE HORMONE RESISTANCE; Pseudopseudohypoparathyroidism (PPHP). Identifiers: Orphanet 79445, MedGen C0033835, MONDO:0012912, OMIM 612463.
ACTH-independent macronodular adrenal hyperplasia 1 (AIMAH1). Also called: ACTH-INDEPENDENT MACRONODULAR ADRENOCORTICAL HYPERPLASIA; CUSHING SYNDROME, ADRENAL, DUE TO AIMAH; ADRENOCORTICOTROPIC HORMONE-INDEPENDENT MACRONODULAR ADRENAL HYPERPLASIA; ACTH-independent macronodular adrenal hyperplasia, somatic; CORTICOTROPIN-INDEPENDENT MACRONODULAR ADRENAL HYPERPLASIA. Identifiers: MedGen C1857451, MONDO:0020735, OMIM 219080.
Pseudohypoparathyroidism type I A (PHP1A). Also called: Pseudohypoparathyroidism Type IA; ALBRIGHT HEREDITARY OSTEODYSTROPHY WITH MULTIPLE HORMONE RESISTANCE; PHP IA; Pseudohypoparathyroidism type 1A; Pseudohypoparathyroidism Ia (PHP-Ia). Identifiers: Orphanet 79443, MedGen C3494506, MONDO:0007078, OMIM 103580.
GNAS-related disorder. Identifiers: MedGen CN380105.

Allele frequency attached by ClinVar (database versions not stated): gnomAD exomes 0.00185; gnomAD 0.00027.

Submissions (5):

Blueprint Genetics
Classification: Likely benign. Last evaluated: 2024-06-24. Review status: criteria provided, single submitter. Criteria: ACMG Guidelines, 2015. Collection method: clinical testing. Allele origin: germline.

Fulgent Genetics
Classification: Likely benign for Pseudohypoparathyroidism type I A; Progressive osseous heteroplasia; McCune-Albright syndrome; ACTH-independent macronodular adrenal hyperplasia 1; Pseudohypoparathyroidism type 1B; Pseudohypoparathyroidism type 1C; Pseudopseudohypoparathyroidism; Pituitary adenoma 3, multiple types. Last evaluated: 2022-05-11. Review status: criteria provided, single submitter. Criteria: ACMG Guidelines, 2015. Collection method: clinical testing. Allele origin: unknown.

GeneDx
Classification: Likely benign. Last evaluated: 2019-08-18. Review status: criteria provided, single submitter. Criteria: GeneDx Variant Classification Process June 2021. Collection method: clinical testing. Allele origin: germline. Affected: yes.

Breakthrough Genomics
Classification: Likely benign. Review status: criteria provided, single submitter. Criteria: ACMG Guidelines, 2015. Collection method: not provided. Allele origin: germline. Inheritance: Autosomal dominant inheritance. Affected: yes.

PreventionGenetics, part of Exact Sciences
Classification: Likely benign for GNAS-related condition. Last evaluated: 2022-12-20. Review status: no assertion criteria provided. Collection method: clinical testing. Allele origin: germline. Not counted in ClinVar's aggregate classification.
Comment: This variant is classified as likely benign based on ACMG/AMP sequence variant interpretation guidelines (Richards et al. 2015 PMID: 25741868, with internal and published modifications).